The following is an entry in ClinVar:

ClinVar aggregate classification (germline): Uncertain significance (1 of 4 stars; one submission).

Submission:

Labcorp Genetics (formerly Invitae), Labcorp
Classification: Uncertain significance. Last evaluated: 2022-03-10. Review status: criteria provided, single submitter. Criteria: Invitae Variant Classification Sherloc (09022015). Collection method: clinical testing. Allele origin: germline.
Comment: This variant is not present in population databases (gnomAD no frequency). This variant, c.9523_9525del, results in the deletion of 1 amino acid(s) of the CDH23 protein (p.Arg3175del), but otherwise preserves the integrity of the reading frame. This variant has not been reported in the literature in individuals affected with CDH23-related conditions. In summary, the available evidence is currently insufficient to determine the role of this variant in disease. Therefore, it has been classified as a Variant of Uncertain Significance. Experimental studies and prediction algorithms are not available or were not evaluated, and the functional significance of this variant is currently unknown. ClinVar contains an entry for this variant (Variation ID: 961275).

NM_022124.6(CDH23):c.9523_9525del (p.Arg3175del)

Gene: CDH23 (cadherin related 23; plus strand). Cytogenetic location: 10q22.1.
Variant type: Deletion.
Coding change: c.9523_9525del on transcript NM_022124.6 (MANE Select); coding-DNA positions 9523 to 9525, 3 bases deleted (CGT; older notation c.9523_9525delCGT).
Protein change: p.Arg3175del; deletes arginine 3175.
Molecular consequence: inframe deletion.
Genome position (GRCh38, 1-based): chr10:71,812,780-71,812,782, CGT deleted. VCF-style (leftmost placement, unchanged base first): chr10-71812779-GCGT-G. GRCh37 (hg19) VCF-style: chr10-73572536-GCGT-G.
Other names: c.2803_2805del, p.Arg935del (NM_001171933.1, NM_001171934.1); c.214_216del, p.Arg72del (NM_001171935.1, NM_001171936.1); short protein forms R3175del, R72del, R935del.
Identifiers: ClinVar variation 961275 (VCV000961275.9), dbSNP rs1841984587, ClinGen allele CA1139661500.